The following is an entry in ClinVar:

ClinVar aggregate classification (germline): Benign/Likely benign. Review status: criteria provided, multiple submitters, no conflicts (2 of 4 stars). 7 submissions from 7 submitters: Benign (3); Likely benign (4). Last evaluated 2026-06-01.

Conditions:
Inborn genetic diseases. Identifiers: MedGen C0950123, MeSH D030342.
Kleefstra syndrome 1 (KLEFS1). Identifiers: Orphanet 261494, MedGen C0795833, MONDO:0027407, OMIM 610253.

Allele frequency attached by ClinVar (database versions not stated): gnomAD 0.00150; ESP Exome Variant Server 0.00154; 1000 Genomes Project 30x 0.00172; 1000 Genomes Project 0.00180; TOPMed 0.00180.
gnomAD v4.1: 579 of 1,613,196 alleles (0.036%); highest among the groups gnomAD compares: African/African-American, 0.57%; 3 homozygotes.

Submissions (7):

CeGaT Center for Human Genetics Tuebingen
Classification: Likely benign. Last evaluated: 2026-06-01. Review status: criteria provided, single submitter. Criteria: CeGaT Center For Human Genetics Tuebingen Variant Classification Criteria Version 2. Collection method: clinical testing. Allele origin: germline. Affected: yes. Observed: 4 variant alleles.
Comment: EHMT1: BP4, BP7, BS1

Labcorp Genetics (formerly Invitae), Labcorp
Classification: Benign for Kleefstra syndrome 1. Last evaluated: 2026-01-11. Review status: criteria provided, single submitter. Criteria: Invitae Variant Classification Sherloc (09022015). Collection method: clinical testing. Allele origin: germline.

Blueprint Genetics
Classification: Likely benign. Last evaluated: 2024-11-13. Review status: criteria provided, single submitter. Criteria: ACMG Guidelines, 2015. Collection method: clinical testing. Allele origin: germline.

GeneDx
Classification: Benign. Last evaluated: 2018-09-12. Review status: criteria provided, single submitter. Criteria: GeneDx Variant Classification Process June 2021. Collection method: clinical testing. Allele origin: germline. Affected: yes.

Ambry Genetics
Classification: Likely benign for Inborn genetic diseases. Last evaluated: 2016-08-03. Review status: criteria provided, single submitter. Criteria: Ambry Variant Classification Scheme 2023. Collection method: clinical testing. Allele origin: germline.

Eurofins Ntd Llc (ga)
Classification: Benign. Last evaluated: 2013-08-08. Review status: criteria provided, single submitter. Criteria: EGL Classification Definitions 2015. Collection method: clinical testing. Allele origin: germline. Observed: 1 variant allele, 1 heterozygote.

Breakthrough Genomics
Classification: Likely benign. Review status: criteria provided, single submitter. Criteria: ACMG Guidelines, 2015. Collection method: not provided. Allele origin: germline. Inheritance: Autosomal dominant inheritance. Affected: yes.

NM_024757.5(EHMT1):c.354T>G (p.Ser118=)

Gene: EHMT1 (euchromatic histone lysine methyltransferase 1; plus strand). Cytogenetic location: 9q34.3.
Variant type: single nucleotide variant.
Coding change: c.354T>G on transcript NM_024757.5 (MANE Select); coding-DNA position 354, T replaced by G.
Protein change: p.Ser118=; no amino-acid change (serine 118 retained).
Molecular consequence: synonymous variant.
Genome position (GRCh38, 1-based): chr9:137,716,894, T>G. VCF-style: chr9-137716894-T-G. GRCh37 (hg19) VCF-style: chr9-140611346-T-G.
Other names: c.354T>G, p.Ser118= (NM_001145527.2, NM_001354263.2, NM_001354611.2); c.261T>G, p.Ser87= (NM_001354259.2, NM_001354612.2).
Identifiers: ClinVar variation 96158 (VCV000096158.78), dbSNP rs142271310, ClinGen allele CA149303.